The following is an entry in ClinVar:

NM_001363711.2(DUOX2):c.4088T>C (p.Leu1363Pro)

Gene: DUOX2 (dual oxidase 2; minus strand). Cytogenetic location: 15q21.1.
Variant type: single nucleotide variant.
Coding change: c.4088T>C on transcript NM_001363711.2 (MANE Select); coding-DNA position 4088, T replaced by C.
Protein change: p.Leu1363Pro; replaces leucine 1363 with proline.
Molecular consequence: missense variant.
Genome position (GRCh38, 1-based): chr15:45,095,588, A>G on the plus strand (T>C on the coding strand, the complement: DUOX2 is on the minus strand). VCF-style: chr15-45095588-A-G. GRCh37 (hg19) VCF-style: chr15-45387786-A-G.
Other names: c.4088T>C, p.Leu1363Pro (NM_014080.5); short protein forms L1363P.
Identifiers: ClinVar variation 2663235 (VCV002663235.2), dbSNP rs767102567, ClinGen allele CA7537622.
Genomic context (GRCh38, chr15:45,095,588, plus strand): 5'-ACCAACACTGACACCTCAAATTTATGCCACTCCTGATGGCCCTCTCCAAACGGTCCATCA[A>G]GGTACAGCTGCCAAGAGAGGGGGGAGATGAAATGAGCCTGACCCTGCCCCAGCTCTGAGA-3'
Protein context (NP_001350640.1, residues 1353-1373): NGCAGYPKLY[Leu1363Pro]DGPFGEGHQE

ClinVar aggregate classification (germline): Uncertain significance. Review status: criteria provided, multiple submitters, no conflicts (2 of 4 stars). 2 submissions from 2 submitters: Uncertain significance (2). Last evaluated 2025-08-18.

Allele frequency attached by ClinVar (database versions not stated): gnomAD 0.00001; gnomAD exomes 0.00001; ExAC 0.00001.
gnomAD v4.1: 8 of 1,614,096 alleles (0.0005%); highest among the groups gnomAD compares: Non-Finnish European, 0.00068%; no homozygotes.

Submissions (2):

Labcorp Genetics (formerly Invitae), Labcorp
Classification: Uncertain significance. Last evaluated: 2025-08-18. Review status: criteria provided, single submitter. Criteria: Invitae Variant Classification Sherloc (09022015). Collection method: clinical testing. Allele origin: germline.
Comment: This sequence change replaces leucine, which is neutral and non-polar, with proline, which is neutral and non-polar, at codon 1363 of the DUOX2 protein (p.Leu1363Pro). This variant is present in population databases (rs767102567, gnomAD 0.002%). This variant has not been reported in the literature in individuals affected with DUOX2-related conditions. ClinVar contains an entry for this variant (Variation ID: 2663235). Invitae Evidence Modeling of protein sequence and biophysical properties (such as structural, functional, and spatial information, amino acid conservation, physicochemical variation, residue mobility, and thermodynamic stability) indicates that this missense variant is expected to disrupt DUOX2 protein function with a positive predictive value of 80%. In summary, the available evidence is currently insufficient to determine the role of this variant in disease. Therefore, it has been classified as a Variant of Uncertain Significance.

GeneDx
Classification: Uncertain significance. Last evaluated: 2023-05-10. Review status: criteria provided, single submitter. Criteria: GeneDx Variant Classification Process June 2021. Collection method: clinical testing. Allele origin: germline. Affected: yes.
Comment: In silico analysis supports that this missense variant has a deleterious effect on protein structure/function; Has not been previously published as pathogenic or benign to our knowledge